The following is an entry in ClinVar:

NM_001035.3(RYR2):c.1121A>C (p.Tyr374Ser)

Gene: RYR2 (ryanodine receptor 2; plus strand). Cytogenetic location: 1q43.
Variant type: single nucleotide variant.
Coding change: c.1121A>C on transcript NM_001035.3 (MANE Select); coding-DNA position 1121, A replaced by C.
Protein change: p.Tyr374Ser; replaces tyrosine 374 with serine.
Molecular consequence: missense variant.
Genome position (GRCh38, 1-based): chr1:237,441,434, A>C. VCF-style: chr1-237441434-A-C. GRCh37 (hg19) VCF-style: chr1-237604734-A-C.
Other names: short protein forms Y374S.
Identifiers: ClinVar variation 3070983 (VCV003070983.1), dbSNP rs2528322578, ClinGen allele CA345376436.

ClinVar aggregate classification (germline): Uncertain significance (1 of 4 stars; one submission).

Conditions:
Catecholaminergic polymorphic ventricular tachycardia (CVPT). Also called: Catecholamine-induced polymorphic ventricular tachycardia. Identifiers: Orphanet 3286, MedGen C5574922, MONDO:0017990.

Allele frequency attached by ClinVar (database versions not stated): gnomAD exomes below 0.00001.
gnomAD v4.1: 3 of 1,608,374 alleles (0.00019%); highest among the groups gnomAD compares: Non-Finnish European, 0.00026%; no homozygotes.

Submission:

All of Us Research Program, National Institutes of Health
Classification: Uncertain significance for Catecholaminergic polymorphic ventricular tachycardia. Last evaluated: 2023-06-08. Review status: criteria provided, single submitter. Criteria: ACMG Guidelines, 2015. Collection method: clinical testing. Allele origin: germline. Inheritance: Autosomal dominant inheritance. Observed: 2 variant alleles, 2 heterozygotes.
Comment: This missense variant replaces tyrosine with serine at codon 374 of the RYR2 protein. Computational prediction suggests that this variant may have deleterious impact on protein structure and function (internally defined REVEL score threshold >= 0.7, PMID: 27666373). To our knowledge, functional studies have not been reported for this variant. This variant has not been reported in individuals affected with RYR2-related disorders in the literature. This variant has not been identified in the general population by the Genome Aggregation Database (gnomAD). The available evidence is insufficient to determine the role of this variant in disease conclusively. Therefore, this variant is classified as a Variant of Uncertain Significance.

This study involves interpretation of variants in research participants for the purpose of population health screening. Participant phenotype was not available at the time of variant classification. Additional details can be found in publication PMID: 35346344, PMCID: PMC8962531